The following is an entry in ClinVar:

NM_000431.4(MVK):c.1088G>A (p.Cys363Tyr)

Gene: MVK (mevalonate kinase; plus strand). Cytogenetic location: 12q24.11.
Variant type: single nucleotide variant.
Coding change: c.1088G>A on transcript NM_000431.4 (MANE Select); coding-DNA position 1088, G replaced by A.
Protein change: p.Cys363Tyr; replaces cysteine 363 with tyrosine.
Molecular consequence: missense variant. On other transcripts: 3 prime UTR variant (2), non-coding transcript variant (4).
Genome position (GRCh38, 1-based): chr12:109,596,474, G>A. VCF-style: chr12-109596474-G-A. GRCh37 (hg19) VCF-style: chr12-110034279-G-A.
Other names: c.1088G>A, p.Cys363Tyr (NM_001114185.3, NM_001414511.1); c.932G>A, p.Cys311Tyr (NM_001301182.2); c.1163G>A, p.Cys388Tyr (NM_001414512.1); c.*7G>A (NM_001414513.1, NM_001414514.1); c.506G>A, p.Cys169Tyr (NM_001414515.1); short protein forms C169Y, C311Y, C363Y, C388Y.
Identifiers: ClinVar variation 3749577 (VCV003749577.2).

ClinVar aggregate classification (germline): Uncertain significance (1 of 4 stars; one submission).

Conditions:
Mevalonic aciduria (MEVA). Identifiers: Orphanet 29, MedGen C1959626, MONDO:0012481, OMIM 610377.
Hyperimmunoglobulin D with periodic fever (HIDS). Also called: HYPERIMMUNOGLOBULINEMIA D AND PERIODIC FEVER SYNDROME; Hyperimmunoglobulinemia D with periodic fever; Hyperimmunoglobulinemia D. Identifiers: Orphanet 343, MedGen C0398691, MONDO:0009849, OMIM 260920.
Porokeratosis 3, disseminated superficial actinic type (POROK3). Also called: POROKERATOSIS, DISSEMINATED SUPERFICIAL ACTINIC, 1; POROKERATOSIS 3, MULTIPLE TYPES; POROKERATOSIS 3, MIBELLI TYPE. Identifiers: MedGen C1867981, MONDO:0008293, OMIM 175900.

Submission:

Labcorp Genetics (formerly Invitae), Labcorp
Classification: Uncertain significance for Mevalonic aciduria; Hyperimmunoglobulin D with periodic fever; Porokeratosis 3, disseminated superficial actinic type. Last evaluated: 2025-01-24. Review status: criteria provided, single submitter. Criteria: Invitae Variant Classification Sherloc (09022015). Collection method: clinical testing. Allele origin: germline.
Comment: This sequence change replaces cysteine, which is neutral and slightly polar, with tyrosine, which is neutral and polar, at codon 363 of the MVK protein (p.Cys363Tyr). This variant is present in population databases (no rsID available, gnomAD 0.01%). This variant has not been reported in the literature in individuals affected with MVK-related conditions. An algorithm developed to predict the effect of missense changes on protein structure and function outputs the following: PolyPhen-2: "Benign". The tyrosine amino acid residue is found in multiple mammalian species, which suggests that this missense change does not adversely affect protein function. In summary, the available evidence is currently insufficient to determine the role of this variant in disease. Therefore, it has been classified as a Variant of Uncertain Significance.